The following is an entry in ClinVar:

ClinVar aggregate classification (germline): Pathogenic (1 of 4 stars; one submission).

Conditions:
Biotin-responsive basal ganglia disease (BTBGD). Also called: Thiamine metabolism dysfunction syndrome 2 (biotin- or thiamine-responsive encephalopathy type 2); Thiamine metabolism dysfunction syndrome type 2; Thiamine Transporter-2 Deficiency; thiamine-responsive encephalopathy; THIAMINE METABOLISM DYSFUNCTION SYNDROME 2 (BIOTIN- AND THIAMINE-RESPONSIVE TYPE). Identifiers: Orphanet 199348, Orphanet 65284, MedGen C1843807, MONDO:0011841, OMIM 607483.

Submission:

Myriad Genetics, Inc.
Classification: Pathogenic for Biotin-responsive basal ganglia disease. Last evaluated: 2026-03-28. Review status: criteria provided, single submitter. Criteria: Myriad Autosomal Dominant, Autosomal Recessive and X-Linked Classification Criteria (2023). Collection method: clinical testing. Allele origin: unknown.
Comment: NM_025243.3(SLC19A3):c.790C>T(Q264*) is expected to be pathogenic in the context of biotin-thiamine-responsive basal ganglia disease. This variant is predicted to lead to an abnormal or absent protein product due to the creation of a premature termination codon in SLC19A3, a gene where loss-of-function variants are known to be pathogenic. Please note: this variant was assessed in the context of healthy population screening.

NM_025243.4(SLC19A3):c.790C>T (p.Gln264Ter)

Gene: SLC19A3 (solute carrier family 19 member 3; minus strand). Cytogenetic location: 2q36.3.
Variant type: single nucleotide variant.
Coding change: c.790C>T on transcript NM_025243.4 (MANE Select); coding-DNA position 790, C replaced by T.
Protein change: p.Gln264Ter; replaces glutamine 264 with a stop codon.
Molecular consequence: nonsense.
Genome position (GRCh38, 1-based): chr2:227,698,925, G>A on the plus strand (C>T on the coding strand, the complement: SLC19A3 is on the minus strand). VCF-style: chr2-227698925-G-A. GRCh37 (hg19) VCF-style: chr2-228563641-G-A.
Other names: c.790C>T, p.Gln264Ter (NM_001371411.1, NM_001371412.1); c.778C>T, p.Gln260Ter (NM_001371413.1, NM_001371414.1); short protein forms Q260*, Q264*.
Identifiers: ClinVar variation 5015742 (VCV005015742.1).
Genomic context (GRCh38, chr2:227,698,925, plus strand): 5'-ATAGAGACCAGTAGAAAAGACGTTTTGAGGAGTAGCACTCCTTCAAATCTTGGAACCACT[G>A]CACAAAAACGTCCACAGTCACATTGCTTGGTTTCAGGCTGTTCAGCTGGCCCTTATTCAG-3'